The following is an entry in ClinVar:

NM_006311.4(NCOR1):c.6151_6163del (p.Leu2051fs)

Gene: NCOR1 (nuclear receptor corepressor 1; minus strand). Cytogenetic location: 17p12.
Variant type: Deletion.
Coding change: c.6151_6163del on transcript NM_006311.4 (MANE Select); coding-DNA positions 6151 to 6163, 13 bases deleted (CTTGCTGATCACA).
Protein change: p.Leu2051fs; shifts the reading frame from leucine 2051.
Molecular consequence: frameshift variant.
Genome position (GRCh38, 1-based): chr17:16,057,912-16,057,924, TGTGATCAGCAAG deleted on the plus strand (CTTGCTGATCACA on the coding strand, the reverse complement: NCOR1 is on the minus strand); deleting any 13 consecutive bases within chr17:16,057,912-16,057,934 gives the same sequence; the c. name uses the placement nearest the transcript's 3' end. VCF-style (leftmost placement, unchanged base first): chr17-16057911-ATGTGATCAGCAAG-A. GRCh37 (hg19) VCF-style: chr17-15961225-ATGTGATCAGCAAG-A.
Other names: c.5842_5854del, p.Leu1948fs (NM_001190440.2); c.6373_6385del, p.Leu2125fs (NM_001439111.1); c.6229_6241del, p.Leu2077fs (NM_001439112.1); c.6226_6238del, p.Leu2076fs (NM_001439113.1); c.6202_6214del, p.Leu2068fs (NM_001439114.1); c.6199_6211del, p.Leu2067fs (NM_001439115.1); c.6154_6166del, p.Leu2052fs (NM_001439116.1); short protein forms L1948fs, L2051fs, L2052fs, L2067fs, L2068fs, L2076fs, L2077fs, L2125fs.
Identifiers: ClinVar variation 4534938 (VCV004534938.6).

ClinVar aggregate classification (germline): Uncertain significance (1 of 4 stars; one submission).

Submission:

CeGaT Center for Human Genetics Tuebingen
Classification: Uncertain significance. Last evaluated: 2025-10-01. Review status: criteria provided, single submitter. Criteria: CeGaT Center For Human Genetics Tuebingen Variant Classification Criteria Version 2. Collection method: clinical testing. Allele origin: germline. Affected: yes. Observed: 1 variant allele.
Comment: NCOR1: PM2, PVS1:Moderate